The following is an entry in ClinVar:

NM_001558.4(IL10RA):c.140C>G (p.Pro47Arg)

Gene: IL10RA (interleukin 10 receptor subunit alpha; plus strand). Cytogenetic location: 11q23.3.
Variant type: single nucleotide variant.
Coding change: c.140C>G on transcript NM_001558.4 (MANE Select); coding-DNA position 140, C replaced by G.
Protein change: p.Pro47Arg; replaces proline 47 with arginine.
Molecular consequence: missense variant. On other transcripts: non-coding transcript variant (1).
Genome position (GRCh38, 1-based): chr11:117,988,454, C>G. VCF-style: chr11-117988454-C-G. GRCh37 (hg19) VCF-style: chr11-117859169-C-G.
Other names: short protein forms P47R.
Identifiers: ClinVar variation 2049302 (VCV002049302.4), dbSNP rs2496772090, ClinGen allele CA382772856.

ClinVar aggregate classification (germline): Uncertain significance (1 of 4 stars; one submission).

Conditions:
Inflammatory bowel disease 28. Also called: Inflammatory bowel disease 28, early onset, autosomal recessive. Identifiers: Orphanet 238569, MedGen C2751053, MONDO:0013153, OMIM 613148.

Submission:

Labcorp Genetics (formerly Invitae), Labcorp
Classification: Uncertain significance for Inflammatory bowel disease 28. Last evaluated: 2021-12-19. Review status: criteria provided, single submitter. Criteria: Invitae Variant Classification Sherloc (09022015). Collection method: clinical testing. Allele origin: germline.
Comment: This sequence change replaces proline, which is neutral and non-polar, with arginine, which is basic and polar, at codon 47 of the IL10RA protein (p.Pro47Arg). This variant is not present in population databases (gnomAD no frequency). This variant has not been reported in the literature in individuals affected with IL10RA-related conditions. Algorithms developed to predict the effect of missense changes on protein structure and function are either unavailable or do not agree on the potential impact of this missense change (SIFT: "Deleterious"; PolyPhen-2: "Probably Damaging"; Align-GVGD: "Class C15"). In summary, the available evidence is currently insufficient to determine the role of this variant in disease. Therefore, it has been classified as a Variant of Uncertain Significance.